The following is an entry in ClinVar:

NM_000057.4(BLM):c.2929T>G (p.Ser977Ala)

Gene: BLM (BLM RecQ like helicase; plus strand). Cytogenetic location: 15q26.1.
Variant type: single nucleotide variant.
Coding change: c.2929T>G on transcript NM_000057.4 (MANE Select); coding-DNA position 2929, T replaced by G.
Protein change: p.Ser977Ala; replaces serine 977 with alanine.
Molecular consequence: missense variant.
Genome position (GRCh38, 1-based): chr15:90,790,754, T>G. VCF-style: chr15-90790754-T-G. GRCh37 (hg19) VCF-style: chr15-91333984-T-G.
Other names: c.2929T>G (NM_000057.2); c.2929T>G, p.Ser977Ala (NM_001287246.2, NM_001287247.2); c.1804T>G, p.Ser602Ala (NM_001287248.2); short protein forms S602A, S977A.
Identifiers: ClinVar variation 1006804 (VCV001006804.15), dbSNP rs912097353, ClinGen allele CA274764681.
Genomic context (GRCh38, chr15:90,790,754, plus strand): 5'-GACGTGCGATTTGTGATTCATGCATCTCTCCCTAAATCTGTGGAGGGTTACTACCAAGAA[T>G]CTGGCAGAGCTGGAAGAGATGGGGAAATATCTCACTGCCTGCTTTTCTATACCTATCATG-3'
Protein context (NP_000048.1, residues 967-987): PKSVEGYYQE[Ser977Ala]GRAGRDGEIS

ClinVar aggregate classification (germline): Uncertain significance. Review status: criteria provided, multiple submitters, no conflicts (2 of 4 stars). 3 submissions from 3 submitters: Uncertain significance (2). 1 of the submissions does not count toward it. Last evaluated 2024-09-23.

Conditions:
Hereditary cancer-predisposing syndrome. Also called: Hereditary neoplastic syndrome; Neoplastic Syndromes, Hereditary; Tumor predisposition; Hereditary Cancer Syndrome. Identifiers: Orphanet 140162, MedGen C0027672, MeSH D009386, MONDO:0015356.
Bloom syndrome (BLM). Also called: Bloom-Torre-Machacek syndrome. Identifiers: Orphanet 125, MedGen C0005859, MONDO:0008876, OMIM 210900.

Allele frequency attached by ClinVar (database versions not stated): gnomAD exomes 0.00001.
gnomAD v4.1: 5 of 1,614,190 alleles (0.00031%); highest among the groups gnomAD compares: Non-Finnish European, 0.00042%; no homozygotes.

Submissions (3):

Ambry Genetics
Classification: Uncertain significance for Hereditary cancer-predisposing syndrome. Last evaluated: 2024-09-23. Review status: criteria provided, single submitter. Criteria: Ambry Variant Classification Scheme 2023. Collection method: clinical testing. Allele origin: germline.
Comment: The p.S977A variant (also known as c.2929T>G), located in coding exon 14 of the BLM gene, results from a T to G substitution at nucleotide position 2929. The serine at codon 977 is replaced by alanine, an amino acid with similar properties. This amino acid position is conserved. In addition, the in silico prediction for this alteration is inconclusive. Since supporting evidence is limited at this time, the clinical significance of this alteration remains unclear.

Labcorp Genetics (formerly Invitae), Labcorp
Classification: Uncertain significance for Bloom syndrome. Last evaluated: 2024-09-16. Review status: criteria provided, single submitter. Criteria: Invitae Variant Classification Sherloc (09022015). Collection method: clinical testing. Allele origin: germline.
Comment: This sequence change replaces serine, which is neutral and polar, with alanine, which is neutral and non-polar, at codon 977 of the BLM protein (p.Ser977Ala). This variant is not present in population databases (gnomAD no frequency). This variant has not been reported in the literature in individuals affected with BLM-related conditions. ClinVar contains an entry for this variant (Variation ID: 1006804). Invitae Evidence Modeling of protein sequence and biophysical properties (such as structural, functional, and spatial information, amino acid conservation, physicochemical variation, residue mobility, and thermodynamic stability) indicates that this missense variant is not expected to disrupt BLM protein function with a negative predictive value of 80%. In summary, the available evidence is currently insufficient to determine the role of this variant in disease. Therefore, it has been classified as a Variant of Uncertain Significance.

Natera, Inc.
Classification: Uncertain significance for Bloom syndrome. Last evaluated: 2020-11-05. Review status: no assertion criteria provided. Collection method: clinical testing. Allele origin: germline. Not counted in ClinVar's aggregate classification.